The following is an entry in ClinVar:

ClinVar aggregate classification (germline): Conflicting classifications of pathogenicity. Review status: criteria provided, conflicting classifications (1 of 4 stars). 3 submissions from 3 submitters: Uncertain significance (1); Likely benign (1). 1 of the submissions does not count toward it. Last evaluated 2022-08-09.

Conditions:
COL9A1-related disorder. Also called: COL9A1-related condition; COL9A1-related disorders.

Allele frequency attached by ClinVar (database versions not stated): gnomAD 0.00001; TOPMed 0.00002; gnomAD exomes 0.00003 and 0.00006; ExAC 0.00007; 1000 Genomes Project 30x 0.00016; 1000 Genomes Project 0.00020.
gnomAD v4.1: 39 of 1,613,854 alleles (0.0024%); highest among the groups gnomAD compares: South Asian, 0.027%; no homozygotes.

Submissions (3):

Labcorp Genetics (formerly Invitae), Labcorp
Classification: Uncertain significance. Last evaluated: 2022-08-09. Review status: criteria provided, single submitter. Criteria: Invitae Variant Classification Sherloc (09022015). Collection method: clinical testing. Allele origin: germline.
Comment: This sequence change falls in intron 21 of the COL9A1 gene. It does not directly change the encoded amino acid sequence of the COL9A1 protein. It affects a nucleotide within the consensus splice site. This variant is present in population databases (rs533952787, gnomAD 0.03%). This variant has not been reported in the literature in individuals affected with COL9A1-related conditions. ClinVar contains an entry for this variant (Variation ID: 854628). Variants that disrupt the consensus splice site are a relatively common cause of aberrant splicing (PMID: 17576681, 9536098). Algorithms developed to predict the effect of sequence changes on RNA splicing suggest that this variant is not likely to affect RNA splicing. In summary, the available evidence is currently insufficient to determine the role of this variant in disease. Therefore, it has been classified as a Variant of Uncertain Significance.

Blueprint Genetics
Classification: Likely benign. Last evaluated: 2019-05-27. Review status: criteria provided, single submitter. Criteria: ACMG Guidelines, 2015. Collection method: clinical testing. Allele origin: germline.

PreventionGenetics, part of Exact Sciences
Classification: Likely benign for COL9A1-related condition. Last evaluated: 2020-05-18. Review status: no assertion criteria provided. Collection method: clinical testing. Allele origin: germline. Not counted in ClinVar's aggregate classification.
Comment: This variant is classified as likely benign based on ACMG/AMP sequence variant interpretation guidelines (Richards et al. 2015 PMID: 25741868, with internal and published modifications).

Literature cited by the submitters: PubMed 17576681 (cited by Labcorp Genetics (formerly Invitae), Labcorp); PubMed 9536098 (cited by Labcorp Genetics (formerly Invitae), Labcorp).

NM_001851.6(COL9A1):c.1504-3C>T

Gene: COL9A1 (collagen type IX alpha 1 chain; minus strand). Cytogenetic location: 6q13.
Variant type: single nucleotide variant.
Coding change: c.1504-3C>T on transcript NM_001851.6 (MANE Select); 3 bases into the intron before coding-DNA position 1504, C replaced by T.
Molecular consequence: intron variant.
Genome position (GRCh38, 1-based): chr6:70,255,393, G>A on the plus strand (C>T on the coding strand, the complement: COL9A1 is on the minus strand). VCF-style: chr6-70255393-G-A. GRCh37 (hg19) VCF-style: chr6-70965096-G-A.
Other names: c.775-3C>T (NM_001377290.1, NM_078485.4, NM_001377289.1).
Identifiers: ClinVar variation 854628 (VCV000854628.11), dbSNP rs533952787, ClinGen allele CA3882156.